The following is an entry in ClinVar:

ClinVar aggregate classification (germline): Likely pathogenic (1 of 4 stars; one submission).

Conditions:
Chédiak-Higashi syndrome (CHS). Also called: Chediak-Higashi Syndrome. Identifiers: Orphanet 167, MedGen C0007965, MONDO:0008963, OMIM 214500.

Submission:

Labcorp Genetics (formerly Invitae), Labcorp
Classification: Likely pathogenic for Chédiak-Higashi syndrome. Last evaluated: 2023-02-04. Review status: criteria provided, single submitter. Criteria: Invitae Variant Classification Sherloc (09022015). Collection method: clinical testing. Allele origin: germline.
Comment: In summary, the currently available evidence indicates that the variant is pathogenic, but additional data are needed to prove that conclusively. Therefore, this variant has been classified as Likely Pathogenic. Algorithms developed to predict the effect of sequence changes on RNA splicing suggest that this variant may disrupt the consensus splice site. This variant has not been reported in the literature in individuals affected with LYST-related conditions. This variant is not present in population databases (gnomAD no frequency). This sequence change affects a donor splice site in intron 41 of the LYST gene. It is expected to disrupt RNA splicing. Variants that disrupt the donor or acceptor splice site typically lead to a loss of protein function (PMID: 16199547), and loss-of-function variants in LYST are known to be pathogenic (PMID: 9215679, 11857544).

Literature cited by the submitters: PubMed 16199547; PubMed 9215679; PubMed 11857544.

NM_000081.4(LYST):c.9627+1G>A

Gene: LYST (lysosomal trafficking regulator; minus strand). Cytogenetic location: 1q42.3.
Variant type: single nucleotide variant.
Coding change: c.9627+1G>A on transcript NM_000081.4 (MANE Select); the canonical splice donor site of the intron after coding-DNA position 9627, G replaced by A.
Molecular consequence: splice donor variant.
Genome position (GRCh38, 1-based): chr1:235,716,711, C>T on the plus strand (G>A on the coding strand, the complement: LYST is on the minus strand). VCF-style: chr1-235716711-C-T. GRCh37 (hg19) VCF-style: chr1-235880011-C-T.
Other names: c.9627+1G>A (NM_001301365.1).
Identifiers: ClinVar variation 2873104 (VCV002873104.3), dbSNP rs2527417596, ClinGen allele CA344940750.